The following is an entry in ClinVar:

ClinVar aggregate classification (germline): Uncertain significance (1 of 4 stars; one submission).

Conditions:
Familial sleep-related hypermotor epilepsy. Also called: Autosomal Dominant Sleep-Related Hypermotor (Hyperkinetic) Epilepsy. Identifiers: Orphanet 98784, MedGen C3696898, MONDO:0000030.

Allele frequency attached by ClinVar (database versions not stated): 1000 Genomes Project 0.00020; gnomAD 0.00001; 1000 Genomes Project 30x 0.00016; ExAC 0.00001.

Submission:

Labcorp Genetics (formerly Invitae), Labcorp
Classification: Uncertain significance. Last evaluated: 2023-04-01. Review status: criteria provided, single submitter. Criteria: Invitae Variant Classification Sherloc (09022015). Collection method: clinical testing. Allele origin: germline.
Comment: This sequence change replaces serine, which is neutral and polar, with phenylalanine, which is neutral and non-polar, at codon 541 of the CHRNA4 protein (p.Ser541Phe). The frequency data for this variant in the population databases is considered unreliable, as metrics indicate poor data quality at this position in the gnomAD database. This variant has not been reported in the literature in individuals affected with CHRNA4-related conditions. Advanced modeling of protein sequence and biophysical properties (such as structural, functional, and spatial information, amino acid conservation, physicochemical variation, residue mobility, and thermodynamic stability) performed at Invitae indicates that this missense variant is not expected to disrupt CHRNA4 protein function. In summary, the available evidence is currently insufficient to determine the role of this variant in disease. Therefore, it has been classified as a Variant of Uncertain Significance.

NM_000744.7(CHRNA4):c.1622C>T (p.Ser541Phe)

Gene: CHRNA4 (cholinergic receptor nicotinic alpha 4 subunit; minus strand). Cytogenetic location: 20q13.33.
Variant type: single nucleotide variant.
Coding change: c.1622C>T on transcript NM_000744.7 (MANE Select); coding-DNA position 1622, C replaced by T.
Protein change: p.Ser541Phe; replaces serine 541 with phenylalanine.
Molecular consequence: missense variant. On other transcripts: non-coding transcript variant (1).
Genome position (GRCh38, 1-based): chr20:63,349,789, G>A on the plus strand (C>T on the coding strand, the complement: CHRNA4 is on the minus strand). VCF-style: chr20-63349789-G-A. GRCh37 (hg19) VCF-style: chr20-61981141-G-A.
Other names: c.1094C>T, p.Ser365Phe (NM_001256573.2); short protein forms S541F, S365F.
Identifiers: ClinVar variation 2851392 (VCV002851392.3), dbSNP rs182964443, ClinGen allele CA9957565.